The following is an entry in ClinVar:

ClinVar aggregate classification (germline): Pathogenic/Likely pathogenic. Review status: criteria provided, multiple submitters, no conflicts (2 of 4 stars). 2 submissions from 2 submitters: Pathogenic (1); Likely pathogenic (1). Last evaluated 2026-09-08.

Conditions:
Fabry disease. Also called: Fabry's disease; Angiokeratoma corporis diffusum; GLA DEFICIENCY; HEREDITARY DYSTOPIC LIPIDOSIS; ALPHA-GALACTOSIDASE A DEFICIENCY; ANDERSON-FABRY DISEASE. Identifiers: Orphanet 324, MedGen C0002986, MONDO:0010526, OMIM 301500, HP:0001071. Disease mechanism: loss of function, Fabry disease is due to inactivating mutations in the X-linked GLA gene resulting in deficiency of the enzyme Alpha Galactosidase-A..

Submissions (2):

Genomenon, Inc
Classification: Pathogenic for Fabry disease. Last evaluated: 2026-09-08. Review status: criteria provided, single submitter. Criteria: Genomenon Sequence Variant Interpretation Standards - Updated. Collection method: curation. Allele origin: germline. Affected: yes.
Comment: GLA p.Lys308Asn (c.924A>C) is a missense variant that changes the amino acid at codon 308 from Lysine to Asparagine. This variant has been observed in at least one proband with clinical features consistent with Fabry disease (PMID:28988177). At least one functional study has demonstrated a substantial alteration in protein function relative to the wild-type (PMID:27657681). Another cDNA change that causes the same protein consequence has been determined to be pathogenic or likely pathogenic. It is absent or not present at a significant frequency in gnomAD. In silico models predict that this variant is possibly or probably damaging. In conclusion, we classify GLA p.Lys308Asn (c.924A>C) as a pathogenic variant.

CeMIA
Classification: Likely pathogenic for Fabry disease. Review status: criteria provided, single submitter. Criteria: ACMG Guidelines, 2015. Collection method: clinical testing. Allele origin: germline. Affected: yes. Observed: 3 variant alleles.
Comment: Bioinformatic analysis by SIFT and PolyPhen2 algorithms predicted this mutation as deleterious and probably damaging, respectively. It was not detected amongst the 31360 individuals of the Genome Aggregation Database (gnomAD), indicating that it is not a common variant. Taking all the above into account and according to ACMG Guidelines (Criteria: PM1 PM2, PP2, PP3, PP4) the variant is considered likely pathogenic.

Literature cited by the submitters: PubMed 28988177 (cited by Genomenon, Inc and CeMIA); PubMed 27657681 (cited by Genomenon, Inc).

NM_000169.3(GLA):c.924A>C (p.Lys308Asn)

Genes: GLA (galactosidase alpha; minus strand), RPL36A-HNRNPH2 (RPL36A-HNRNPH2 readthrough; plus strand). Cytogenetic location: Xq22.1.
Variant type: single nucleotide variant.
Coding change: c.924A>C on transcript NM_000169.3 (MANE Select); coding-DNA position 924, A replaced by C.
Protein change: p.Lys308Asn; replaces lysine 308 with asparagine.
Molecular consequence: missense variant. On other transcripts: non-coding transcript variant (3), intron variant (2).
Genome position (GRCh38, 1-based): chrX:101,398,445, T>G on the plus strand (A>C on the coding strand, the complement: GLA is on the minus strand). VCF-style: chrX-101398445-T-G. GRCh37 (hg19) VCF-style: chrX-100653433-T-G.
Other names: c.1047A>C, p.Lys349Asn (NM_001406747.1); c.924A>C, p.Lys308Asn (NM_001406748.1); c.300+2988T>G (NM_001199973.2); c.177+6623T>G (NM_001199974.2); short protein forms K308N, K349N.
Identifiers: ClinVar variation 1064719 (VCV001064719.6), dbSNP rs2147472050, ClinGen allele CA413921997.